The following is an entry in ClinVar:

ClinVar aggregate classification (germline): Uncertain significance (1 of 4 stars; one submission).

Conditions:
Cardiovascular phenotype. Identifiers: MedGen CN230736.

Submission:

Ambry Genetics
Classification: Uncertain significance for Cardiovascular phenotype. Last evaluated: 2026-06-14. Review status: criteria provided, single submitter. Criteria: Ambry Variant Classification Scheme 2023. Collection method: clinical testing. Allele origin: germline.
Comment: The p.A695D variant (also known as c.2084C>A), located in coding exon 22 of the MYBPC3 gene, results from a C to A substitution at nucleotide position 2084. The alanine at codon 695 is replaced by aspartic acid, an amino acid with dissimilar properties. This amino acid position is conserved. In addition, this alteration is predicted to be tolerated by in silico analysis. Based on the available evidence, the clinical significance of this variant remains unclear.

NM_000256.3(MYBPC3):c.2084C>A (p.Ala695Asp)

Gene: MYBPC3 (myosin binding protein C3; minus strand). Cytogenetic location: 11p11.2.
Variant type: single nucleotide variant.
Coding change: c.2084C>A on transcript NM_000256.3 (MANE Select); coding-DNA position 2084, C replaced by A.
Protein change: p.Ala695Asp; replaces alanine 695 with aspartic acid.
Molecular consequence: missense variant.
Genome position (GRCh38, 1-based): chr11:47,339,388, G>T on the plus strand (C>A on the coding strand, the complement: MYBPC3 is on the minus strand). VCF-style: chr11-47339388-G-T. GRCh37 (hg19) VCF-style: chr11-47360939-G-T.
Other names: short protein forms A695D.
Identifiers: ClinVar variation 3297239 (VCV003297239.2).